The following is an entry in ClinVar:

ClinVar aggregate classification (germline): Uncertain significance (1 of 4 stars; one submission).

Conditions:
Familial adenomatous polyposis 2. Also called: Adenomas, multiple colorectal; MYH-associated polyposis; COLORECTAL ADENOMATOUS POLYPOSIS, AUTOSOMAL RECESSIVE; ADENOMAS, MULTIPLE COLORECTAL, AUTOSOMAL RECESSIVE; FAP type 2; MUTYH Polyposis. Identifiers: Orphanet 220460, Orphanet 247798, MedGen C3272841, MONDO:0012041, OMIM 608456.

Submission:

Labcorp Genetics (formerly Invitae), Labcorp
Classification: Uncertain significance for Familial adenomatous polyposis 2. Last evaluated: 2020-11-21. Review status: criteria provided, single submitter. Criteria: Invitae Variant Classification Sherloc (09022015). Collection method: clinical testing. Allele origin: germline.
Comment: Algorithms developed to predict the effect of missense changes on protein structure and function (SIFT, PolyPhen-2, Align-GVGD) all suggest that this variant is likely to be tolerated, but these predictions have not been confirmed by published functional studies and their clinical significance is uncertain. This variant has not been reported in the literature in individuals with MUTYH-related conditions. This variant is not present in population databases (ExAC no frequency). This sequence change replaces cysteine with serine at codon 54 of the MUTYH protein (p.Cys54Ser). The cysteine residue is weakly conserved and there is a moderate physicochemical difference between cysteine and serine. In summary, the available evidence is currently insufficient to determine the role of this variant in disease. Therefore, it has been classified as a Variant of Uncertain Significance.

NM_001128425.2(MUTYH):c.160T>A (p.Cys54Ser)

Gene: MUTYH (mutY DNA glycosylase; minus strand). Cytogenetic location: 1p34.1.
Variant type: single nucleotide variant.
Coding change: c.160T>A on transcript NM_001128425.2 (MANE Plus Clinical); coding-DNA position 160, T replaced by A.
Protein change: p.Cys54Ser; replaces cysteine 54 with serine.
Molecular consequence: missense variant. On other transcripts: intron variant (12).
Genome position (GRCh38, 1-based): chr1:45,333,601, A>T on the plus strand (T>A on the coding strand, the complement: MUTYH is on the minus strand). VCF-style: chr1-45333601-A-T. GRCh37 (hg19) VCF-style: chr1-45799273-A-T.
Other names: c.-92-104T>A (NM_001350651.2); c.-97-104T>A (NM_001293192.2, NM_001293196.2); c.-156-40T>A (NM_001350650.2); c.116-40T>A (NM_001048171.2, NM_001048173.2, NM_001048174.2 and 1 more transcripts); c.158-37T>A (NM_001293190.2); c.158-7T>A (NM_012222.3); c.116-37T>A (NM_001048172.2); c.116-7T>A (NM_001293191.2); short protein forms C54S.
Identifiers: ClinVar variation 1391541 (VCV001391541.8), dbSNP rs2149177428, ClinGen allele CA340136862.